The following is an entry in ClinVar:

NM_001844.5(COL2A1):c.3637C>A (p.Pro1213Thr)

Gene: COL2A1 (collagen type II alpha 1 chain; minus strand). Cytogenetic location: 12q13.11.
Variant type: single nucleotide variant.
Coding change: c.3637C>A on transcript NM_001844.5 (MANE Select); coding-DNA position 3637, C replaced by A.
Protein change: p.Pro1213Thr; replaces proline 1213 with threonine.
Molecular consequence: missense variant.
Genome position (GRCh38, 1-based): chr12:47,975,566, G>T on the plus strand (C>A on the coding strand, the complement: COL2A1 is on the minus strand). VCF-style: chr12-47975566-G-T. GRCh37 (hg19) VCF-style: chr12-48369349-G-T.
Other names: c.3430C>A, p.Pro1144Thr (NM_033150.3); short protein forms P1144T, P1213T.
Identifiers: ClinVar variation 1400672 (VCV001400672.8), dbSNP rs886626700, ClinGen allele CA384537106.

ClinVar aggregate classification (germline): Uncertain significance. Review status: criteria provided, multiple submitters, no conflicts (2 of 4 stars). 3 submissions from 3 submitters: Uncertain significance (3). Last evaluated 2022-08-23.

Allele frequency attached by ClinVar (database versions not stated): gnomAD 0.00001.

Submissions (3):

Labcorp Genetics (formerly Invitae), Labcorp
Classification: Uncertain significance. Last evaluated: 2022-08-23. Review status: criteria provided, single submitter. Criteria: Invitae Variant Classification Sherloc (09022015). Collection method: clinical testing. Allele origin: germline.
Comment: This sequence change replaces proline, which is neutral and non-polar, with threonine, which is neutral and polar, at codon 1213 of the COL2A1 protein (p.Pro1213Thr). This variant is not present in population databases (gnomAD no frequency). This variant has not been reported in the literature in individuals affected with COL2A1-related conditions. ClinVar contains an entry for this variant (Variation ID: 1400672). Algorithms developed to predict the effect of missense changes on protein structure and function are either unavailable or do not agree on the potential impact of this missense change (SIFT: "Deleterious"; PolyPhen-2: "Not Available"; Align-GVGD: "Class C35"). In summary, the available evidence is currently insufficient to determine the role of this variant in disease. Therefore, it has been classified as a Variant of Uncertain Significance.

GeneDx
Classification: Uncertain significance. Last evaluated: 2022-07-11. Review status: criteria provided, single submitter. Criteria: GeneDx Variant Classification Process June 2021. Collection method: clinical testing. Allele origin: germline. Affected: yes.
Comment: Has not been previously published as pathogenic or benign to our knowledge; Not observed at significant frequency in large population cohorts (gnomAD); In silico analysis supports that this missense variant has a deleterious effect on protein structure/function; Occurs in the triple helical domain at the X position in the canonical Gly-X-Y repeat; although this variant may have an effect on normal protein folding and function, missense substitution at the X position is not a common mechanism of disease (HGMD)

Blueprint Genetics
Classification: Uncertain significance. Last evaluated: 2019-07-27. Review status: criteria provided, single submitter. Criteria: ACMG Guidelines, 2015. Collection method: clinical testing. Allele origin: germline.